The following is an entry in ClinVar:

ClinVar aggregate classification (germline): Uncertain significance. Review status: criteria provided, multiple submitters, no conflicts (2 of 4 stars). 3 submissions from 3 submitters: Uncertain significance (3). Last evaluated 2024-11-17.

Conditions:
Arrhythmogenic right ventricular dysplasia 13. Also called: ARRHYTHMOGENIC RIGHT VENTRICULAR CARDIOMYOPATHY 13; Arrhythmogenic right ventricular dysplasia, familial, 13. Identifiers: MedGen C3810138, MONDO:0000908, OMIM 615616.

Allele frequency attached by ClinVar (database versions not stated): gnomAD exomes below 0.00001.
gnomAD v4.1: 1 of 1,586,980 alleles (0.000063%); highest among the groups gnomAD compares: Non-Finnish European, 0.000086%; no homozygotes.

Submissions (3):

Ambry Genetics
Classification: Uncertain significance. Last evaluated: 2024-11-17. Review status: criteria provided, single submitter. Criteria: Ambry Variant Classification Scheme 2023. Collection method: clinical testing. Allele origin: germline.
Comment: The p.Q458R variant (also known as c.1373A>G), located in coding exon 9 of the CTNNA3 gene, results from an A to G substitution at nucleotide position 1373. The glutamine at codon 458 is replaced by arginine, an amino acid with highly similar properties. This amino acid position is conserved. In addition, this alteration is predicted to be deleterious by in silico analysis. Based on the available evidence, the clinical significance of this variant remains unclear.

Labcorp Genetics (formerly Invitae), Labcorp
Classification: Uncertain significance for Arrhythmogenic right ventricular dysplasia 13. Last evaluated: 2023-08-03. Review status: criteria provided, single submitter. Criteria: Invitae Variant Classification Sherloc (09022015). Collection method: clinical testing. Allele origin: germline.
Comment: An algorithm developed to predict the effect of missense changes on protein structure and function (PolyPhen-2) suggests that this variant is likely to be tolerated. In summary, the available evidence is currently insufficient to determine the role of this variant in disease. Therefore, it has been classified as a Variant of Uncertain Significance. This sequence change replaces glutamine, which is neutral and polar, with arginine, which is basic and polar, at codon 458 of the CTNNA3 protein (p.Gln458Arg). This variant has not been reported in the literature in individuals affected with CTNNA3-related conditions. This variant is not present in population databases (gnomAD no frequency).

Blueprint Genetics
Classification: Uncertain significance. Last evaluated: 2023-04-21. Review status: criteria provided, single submitter. Criteria: ACMG Guidelines, 2015. Collection method: clinical testing. Allele origin: germline.

NM_013266.4(CTNNA3):c.1373A>G (p.Gln458Arg)

Gene: CTNNA3 (catenin alpha 3; minus strand). Cytogenetic location: 10q21.3.
Variant type: single nucleotide variant.
Coding change: c.1373A>G on transcript NM_013266.4 (MANE Select); coding-DNA position 1373, A replaced by G.
Protein change: p.Gln458Arg; replaces glutamine 458 with arginine.
Molecular consequence: missense variant.
Genome position (GRCh38, 1-based): chr10:66,621,693, T>C on the plus strand (A>G on the coding strand, the complement: CTNNA3 is on the minus strand). VCF-style: chr10-66621693-T-C. GRCh37 (hg19) VCF-style: chr10-68381451-T-C.
Other names: c.1373A>G (NM_013266.2); c.1373A>G, p.Gln458Arg (NM_001127384.3); short protein forms Q458R.
Identifiers: ClinVar variation 2777565 (VCV002777565.5), dbSNP rs1844756161, ClinGen allele CA377091547.